The following is an entry in ClinVar:

NM_006383.4(CIB2):c.199-92C>T

Gene: CIB2 (calcium and integrin binding family member 2; minus strand). Cytogenetic location: 15q25.1.
Variant type: single nucleotide variant.
Coding change: c.199-92C>T on transcript NM_006383.4 (MANE Select); 92 bases into the intron before coding-DNA position 199, C replaced by T.
Molecular consequence: intron variant. On other transcripts: missense variant (1).
Genome position (GRCh38, 1-based): chr15:78,109,474, G>A on the plus strand (C>T on the coding strand, the complement: CIB2 is on the minus strand). VCF-style: chr15-78109474-G-A. GRCh37 (hg19) VCF-style: chr15-78401816-G-A.
Other names: c.122C>T, p.Ser41Phe (NM_001301224.2); c.52-92C>T (NM_001271889.2); c.70-92C>T (NM_001271888.2); short protein forms S41F.
Identifiers: ClinVar variation 450768 (VCV000450768.2), dbSNP rs1555425899, ClinGen allele CA393547468.

ClinVar aggregate classification (germline): Uncertain significance (1 of 4 stars; one submission).

Allele frequency attached by ClinVar (database versions not stated): TOPMed 0.00001.
gnomAD v4.1: 1 of 1,459,730 alleles (0.000069%); highest among the groups gnomAD compares: Admixed American, 0.0017%; no homozygotes.

Submission:

GeneDx
Classification: Uncertain significance. Last evaluated: 2017-07-21. Review status: criteria provided, single submitter. Criteria: GeneDx Variant Classification (06012015). Collection method: clinical testing. Allele origin: germline. Affected: yes.
Comment: The S41F variant in the CIB2 gene has not been reported previously as a pathogenic variant, nor as a benign variant, to our knowledge. The S41F variant is not observed in large population cohorts (Lek et al., 2016; 1000 Genomes Consortium et al., 2015; Exome Variant Server). The S41F variant is a non-conservative amino acid substitution, which is likely to impact secondary protein structure as these residues differ in polarity, charge, size and/or other properties. This substitution occurs at a position that is not conserved. In silico analysis predicts this variant likely does not alter the protein structure/function. We interpret S41F as a variant of uncertain significance.